The following is an entry in ClinVar:

NM_002485.5(NBN):c.1220G>A (p.Cys407Tyr)

Gene: NBN (nibrin; minus strand). Cytogenetic location: 8q21.3.
Variant type: single nucleotide variant.
Coding change: c.1220G>A on transcript NM_002485.5 (MANE Select); coding-DNA position 1220, G replaced by A.
Protein change: p.Cys407Tyr; replaces cysteine 407 with tyrosine.
Molecular consequence: missense variant.
Genome position (GRCh38, 1-based): chr8:89,955,460, C>T on the plus strand (G>A on the coding strand, the complement: NBN is on the minus strand). VCF-style: chr8-89955460-C-T. GRCh37 (hg19) VCF-style: chr8-90967688-C-T.
Other names: c.974G>A, p.Cys325Tyr (NM_001024688.3); short protein forms C407Y, C325Y.
Identifiers: ClinVar variation 920157 (VCV000920157.23), dbSNP rs1473253247, ClinGen allele CA371656334.

ClinVar aggregate classification (germline): Conflicting classifications of pathogenicity. Review status: criteria provided, conflicting classifications (1 of 4 stars). 4 submissions from 4 submitters: Uncertain significance (2); Likely benign (1). 1 of the submissions does not count toward it. Last evaluated 2024-03-28.

Conditions:
Hereditary cancer-predisposing syndrome. Also called: Hereditary Cancer Syndrome; Hereditary neoplastic syndrome; Neoplastic Syndromes, Hereditary; Tumor predisposition. Identifiers: Orphanet 140162, MedGen C0027672, MeSH D009386, MONDO:0015356.
Microcephaly, normal intelligence and immunodeficiency (NBS). Also called: Ataxia telangiectasia variant V1; IMMUNODEFICIENCY, MICROCEPHALY, AND CHROMOSOMAL INSTABILITY; SEEMANOVA SYNDROME II; Nijmegen breakage syndrome; Microcephaly with normal intelligence immunodeficiency and lymphoreticular malignancies; Nonsyndromal microcephaly autosomal recessive with normal intelligence. Identifiers: Orphanet 647, MedGen C0398791, MONDO:0009623, OMIM 251260.

Allele frequency attached by ClinVar (database versions not stated): gnomAD exomes below 0.00001.
gnomAD v4.1: 1 of 1,613,746 alleles (0.000062%); highest among the groups gnomAD compares: Non-Finnish European, 0.000085%; no homozygotes.

Submissions (4):

Ambry Genetics
Classification: Likely benign for Hereditary cancer-predisposing syndrome. Last evaluated: 2024-03-28. Review status: criteria provided, single submitter. Criteria: Ambry Variant Classification Scheme 2023. Collection method: clinical testing. Allele origin: germline.

Labcorp Genetics (formerly Invitae), Labcorp
Classification: Uncertain significance for Microcephaly, normal intelligence and immunodeficiency. Last evaluated: 2024-02-15. Review status: criteria provided, single submitter. Criteria: Invitae Variant Classification Sherloc (09022015). Collection method: clinical testing. Allele origin: germline.
Comment: This sequence change replaces cysteine, which is neutral and slightly polar, with tyrosine, which is neutral and polar, at codon 407 of the NBN protein (p.Cys407Tyr). This variant is present in population databases (no rsID available, gnomAD 0.0009%). This variant has not been reported in the literature in individuals affected with NBN-related conditions. ClinVar contains an entry for this variant (Variation ID: 920157). An algorithm developed to predict the effect of missense changes on protein structure and function (PolyPhen-2) suggests that this variant is likely to be tolerated. In summary, the available evidence is currently insufficient to determine the role of this variant in disease. Therefore, it has been classified as a Variant of Uncertain Significance.

Genome-Nilou Lab
Classification: Uncertain significance for Microcephaly, normal intelligence and immunodeficiency. Last evaluated: 2021-11-07. Review status: criteria provided, single submitter. Criteria: ACMG Guidelines, 2015. Collection method: clinical testing. Allele origin: germline. Affected: no.

Natera, Inc.
Classification: Uncertain significance for Nijmegen breakage syndrome. Last evaluated: 2020-05-07. Review status: no assertion criteria provided. Collection method: clinical testing. Allele origin: germline. Not counted in ClinVar's aggregate classification.